The following is an entry in ClinVar:

NM_000492.4(CFTR):c.53+3G>C

Gene: CFTR (CF transmembrane conductance regulator; plus strand). Cytogenetic location: 7q31.2.
Variant type: single nucleotide variant.
Coding change: c.53+3G>C on transcript NM_000492.4 (MANE Select); 3 bases into the intron after coding-DNA position 53, G replaced by C.
Molecular consequence: intron variant.
Genome position (GRCh38, 1-based): chr7:117,480,150, G>C. VCF-style: chr7-117480150-G-C. GRCh37 (hg19) VCF-style: chr7-117120204-G-C.
Identifiers: ClinVar variation 940464 (VCV000940464.8), dbSNP rs1797978937, ClinGen allele CA1139660222.

ClinVar aggregate classification (germline): Uncertain significance. Review status: criteria provided, single submitter (1 of 4 stars). 2 submissions from 2 submitters: Uncertain significance (1). 1 of the submissions does not count toward it. Last evaluated 2019-10-02.

Conditions:
Cystic fibrosis (CF). Also called: MUCOVISCIDOSIS. Identifiers: Orphanet 586, MedGen C0010674, MONDO:0009061, OMIM 219700. Disease mechanism: loss of function.
CFTR-related disorder (CFTR-RD). Also called: CFTR-related disorders; CFTR-related condition. Identifiers: MedGen C5924204, MONDO:7770004.

Submissions (2):

Labcorp Genetics (formerly Invitae), Labcorp
Classification: Uncertain significance for Cystic fibrosis. Last evaluated: 2019-10-02. Review status: criteria provided, single submitter. Criteria: Invitae Variant Classification Sherloc (09022015). Collection method: clinical testing. Allele origin: germline.
Comment: This sequence change falls in intron 1 of the CFTR gene. It does not directly change the encoded amino acid sequence of the CFTR protein, but it affects a nucleotide within the consensus splice site of the intron. This variant is not present in population databases (ExAC no frequency). This variant has not been reported in the literature in individuals with CFTR-related conditions. Nucleotide substitutions within the consensus splice site are a relatively common cause of aberrant splicing (PMID: 17576681, 9536098). Algorithms developed to predict the effect of sequence changes on RNA splicing suggest that this variant may disrupt the consensus splice site, but this prediction has not been confirmed by published transcriptional studies. In summary, the available evidence is currently insufficient to determine the role of this variant in disease. Therefore, it has been classified as a Variant of Uncertain Significance.

Natera, Inc.
Classification: Uncertain significance for CFTR-related disorders. Last evaluated: 2021-05-25. Review status: no assertion criteria provided. Collection method: clinical testing. Allele origin: germline. Not counted in ClinVar's aggregate classification.

Literature cited by the submitters: PubMed 17576681 (cited by Labcorp Genetics (formerly Invitae), Labcorp); PubMed 9536098 (cited by Labcorp Genetics (formerly Invitae), Labcorp).